The following is an entry in ClinVar:

ClinVar aggregate classification (germline): Uncertain significance (1 of 4 stars; one submission).

Submission:

Labcorp Genetics (formerly Invitae), Labcorp
Classification: Uncertain significance. Last evaluated: 2022-02-18. Review status: criteria provided, single submitter. Criteria: Invitae Variant Classification Sherloc (09022015). Collection method: clinical testing. Allele origin: germline.
Comment: A copy number gain of the genomic region encompassing the full coding sequence of the VPS13C gene has been identified. The boundaries of this event are unknown as they extend beyond the assayed region for this gene and therefore may encompass additional genes. As the precise location of this event is unknown, it may be in tandem or it may be located elsewhere in the genome. This variant has not been reported in the literature in individuals affected with VPS13C-related conditions. In summary, the available evidence is currently insufficient to determine the role of this variant in disease. Therefore, it has been classified as a Variant of Uncertain Significance.

NC_000015.9:g.(?_62146656)_(62352573_?)dup

Gene: VPS13C (vacuolar protein sorting 13 homolog C; minus strand). Cytogenetic location: 15q22.2.
Variant type: Duplication.
Identifiers: ClinVar variation 2426622 (VCV002426622.3).